The following is an entry in ClinVar:

NM_001128205.2(SULF1):c.1532A>G (p.Tyr511Cys)

Gene: SULF1 (sulfatase 1; plus strand). Cytogenetic location: 8q13.3.
Variant type: single nucleotide variant.
Coding change: c.1532A>G on transcript NM_001128205.2 (MANE Select); coding-DNA position 1532, A replaced by G.
Protein change: p.Tyr511Cys; replaces tyrosine 511 with cysteine.
Molecular consequence: missense variant. On other transcripts: non-coding transcript variant (3).
Genome position (GRCh38, 1-based): chr8:69,621,189, A>G. VCF-style: chr8-69621189-A-G. GRCh37 (hg19) VCF-style: chr8-70533424-A-G.
Other names: c.1532A>G, p.Tyr511Cys (NM_001128204.2, NM_001128206.2, NM_001412828.1 and 10 more transcripts); c.1403A>G, p.Tyr468Cys (NM_001412832.1, NM_001412838.1, NM_001412839.1 and 1 more transcripts); c.1475A>G, p.Tyr492Cys (NM_001412836.1, NM_001412837.1); c.1346A>G, p.Tyr449Cys (NM_001412841.1, NM_001412842.1); c.932A>G, p.Tyr311Cys (NM_001412844.1, NM_001412845.1); c.-260A>G (NM_001412846.1); short protein forms Y311C, Y449C, Y468C, Y492C, Y511C.
Identifiers: ClinVar variation 1951757 (VCV001951757.5), dbSNP rs779680145, ClinGen allele CA4775913.

ClinVar aggregate classification (germline): Uncertain significance (1 of 4 stars; one submission).

Allele frequency attached by ClinVar (database versions not stated): gnomAD exomes 0.00001; TOPMed 0.00003; ExAC 0.00002.

Submission:

Labcorp Genetics (formerly Invitae), Labcorp
Classification: Uncertain significance. Last evaluated: 2025-09-11. Review status: criteria provided, single submitter. Criteria: Invitae Variant Classification Sherloc (09022015). Collection method: clinical testing. Allele origin: germline.
Comment: This sequence change replaces tyrosine, which is neutral and polar, with cysteine, which is neutral and slightly polar, at codon 511 of the SULF1 protein (p.Tyr511Cys). This variant is present in population databases (rs779680145, gnomAD 0.02%). This variant has not been reported in the literature in individuals affected with SULF1-related conditions. ClinVar contains an entry for this variant (Variation ID: 1951757). An algorithm developed to predict the effect of missense changes on protein structure and function (PolyPhen-2) suggests that this variant is likely to be disruptive. In summary, the available evidence is currently insufficient to determine the role of this variant in disease. Therefore, it has been classified as a Variant of Uncertain Significance.